The following is an entry in ClinVar:

NM_003482.4(KMT2D):c.9729C>T (p.Ser3243=)

Gene: KMT2D (lysine methyltransferase 2D; minus strand). Cytogenetic location: 12q13.12.
Variant type: single nucleotide variant.
Coding change: c.9729C>T on transcript NM_003482.4 (MANE Select); coding-DNA position 9729, C replaced by T.
Protein change: p.Ser3243=; no amino-acid change (serine 3243 retained).
Molecular consequence: synonymous variant.
Genome position (GRCh38, 1-based): chr12:49,037,627, G>A on the plus strand (C>T on the coding strand, the complement: KMT2D is on the minus strand). VCF-style: chr12-49037627-G-A. GRCh37 (hg19) VCF-style: chr12-49431410-G-A.
Identifiers: ClinVar variation 282340 (VCV000282340.19), dbSNP rs369959158, ClinGen allele CA6546651.

ClinVar aggregate classification (germline): Likely benign. Review status: criteria provided, multiple submitters, no conflicts (2 of 4 stars). 6 submissions from 6 submitters: Likely benign (5). 1 of the submissions does not count toward it. Last evaluated 2026-01-19.

Conditions:
KMT2D-related disorder. Also called: KMT2D-Related Disorders.
Kabuki syndrome. Also called: Kabuki make-up syndrome; NIIKAWA-KUROKI SYNDROME. Identifiers: Orphanet 2322, MedGen C0796004, MONDO:0016512.

Allele frequency attached by ClinVar (database versions not stated): gnomAD exomes 0.00012; ExAC 0.00019; TOPMed 0.00023; ESP Exome Variant Server 0.00024; gnomAD 0.00024.
gnomAD v4.1: 1,221 of 1,565,194 alleles (0.078%); highest among the groups gnomAD compares: Non-Finnish European, 0.1%; 1 homozygote.

Submissions (6):

Labcorp Genetics (formerly Invitae), Labcorp
Classification: Likely benign for Kabuki syndrome. Last evaluated: 2026-01-19. Review status: criteria provided, single submitter. Criteria: Invitae Variant Classification Sherloc (09022015). Collection method: clinical testing. Allele origin: germline.

Blueprint Genetics
Classification: Likely benign. Last evaluated: 2024-03-11. Review status: criteria provided, single submitter. Criteria: ACMG Guidelines, 2015. Collection method: clinical testing. Allele origin: germline.

ARUP Laboratories, Molecular Genetics and Genomics, ARUP Laboratories
Classification: Likely benign. Last evaluated: 2024-02-28. Review status: criteria provided, single submitter. Criteria: ARUP Molecular Germline Variant Investigation Process 2024. Collection method: clinical testing. Allele origin: germline.

GeneDx
Classification: Likely benign. Last evaluated: 2020-02-17. Review status: criteria provided, single submitter. Criteria: GeneDx Variant Classification Process June 2021. Collection method: clinical testing. Allele origin: germline. Affected: yes.

Eurofins Ntd Llc (ga)
Classification: Likely benign. Last evaluated: 2015-08-04. Review status: criteria provided, single submitter. Criteria: EGL Classification Definitions 2015. Collection method: clinical testing. Allele origin: germline. Observed: 1 variant allele, 1 heterozygote.

PreventionGenetics, part of Exact Sciences
Classification: Likely benign for KMT2D-related condition. Last evaluated: 2022-05-02. Review status: no assertion criteria provided. Collection method: clinical testing. Allele origin: germline. Not counted in ClinVar's aggregate classification.
Comment: This variant is classified as likely benign based on ACMG/AMP sequence variant interpretation guidelines (Richards et al. 2015 PMID: 25741868, with internal and published modifications).